The following is an entry in ClinVar:

ClinVar aggregate classification (germline): Likely pathogenic (1 of 4 stars; one submission).

Conditions:
PKD1-related disorder. Also called: PKD1-related condition.

Submission:

PreventionGenetics, part of Exact Sciences
Classification: Likely pathogenic for PKD1-related condition. Last evaluated: 2026-08-02. Review status: criteria provided, single submitter. Criteria: ACMG Guidelines, 2015. Collection method: clinical testing. Allele origin: germline.
Comment: The PKD1 c.12304_12310dup7 variant is predicted to result in a frameshift and premature protein termination (p.Val4104Glyfs*55). To our knowledge, this variant has not been reported in the literature. This variant is absent in a large population database (gnomAD), indicating this variant is rare. Frameshift variants in PKD1 are an established mechanism of disease. This variant is interpreted as likely pathogenic.

NM_001009944.3(PKD1):c.12304_12310dup (p.Val4104fs)

Gene: PKD1 (polycystin 1, transient receptor potential channel interacting; minus strand). Cytogenetic location: 16p13.3.
Variant type: Duplication.
Coding change: c.12304_12310dup on transcript NM_001009944.3 (MANE Select); coding-DNA positions 12304 to 12310, 7 bases duplicated (GGGGCTG; older notation c.12304_12310dupGGGGCTG).
Protein change: p.Val4104fs; shifts the reading frame from valine 4104.
Molecular consequence: frameshift variant.
Genome position (GRCh38, 1-based): chr16:2,090,419-2,090,425, CAGCCCC duplicated on the plus strand (GGGGCTG on the coding strand, the reverse complement: PKD1 is on the minus strand); duplicating any 7 consecutive bases within chr16:2,090,419-2,090,430 gives the same sequence; the c. name uses the placement nearest the transcript's 3' end. VCF-style (leftmost placement, unchanged base first): chr16-2090418-A-ACAGCCCC. GRCh37 (hg19) VCF-style: chr16-2140419-A-ACAGCCCC.
Other names: c.12301_12307dup, p.Val4103fs (NM_000296.4); c.12304_12310dup7 (NM_001009944.2); short protein forms V4104fs, V4103fs.
Identifiers: ClinVar variation 4990918 (VCV004990918.1).